The following is an entry in ClinVar:

NM_006502.3(POLH):c.*1110A>T

Gene: POLH (DNA polymerase eta; plus strand). Cytogenetic location: 6p21.1.
Variant type: single nucleotide variant.
Coding change: c.*1110A>T on transcript NM_006502.3 (MANE Select); 1110 bases downstream of the stop codon, A replaced by T.
Molecular consequence: 3 prime UTR variant.
Genome position (GRCh38, 1-based): chr6:43,615,667, A>T. VCF-style: chr6-43615667-A-T. GRCh37 (hg19) VCF-style: chr6-43583404-A-T.
Other names: c.*1110A>T (NM_001291969.2); c.*1936A>T (NM_001291970.2).
Identifiers: ClinVar variation 356935 (VCV000356935.7), dbSNP rs112725367, ClinGen allele CA10622168.
Genomic context (GRCh38, chr6:43,615,667, plus strand): 5'-AGTTTAAAAAAGGGTTTTAAATGTAATGAGACTTGCATAGTTAAAAAAAAAAAAGGGATT[A>T]TTTTTATTTTTATTTTTTATTTTTGAGACGGAGTCTCCCTCTGTCGTCAGGCTAGAATGC-3'

ClinVar aggregate classification (germline): Benign (1 of 4 stars; one submission).

Conditions:
Xeroderma pigmentosum variant type. Also called: POLH-Related Xeroderma Pigmentosum; PHOTOSENSITIVITY WITH DEFECTIVE DNA SYNTHESIS; XERODERMA PIGMENTOSUM WITH NORMAL DNA REPAIR RATES. Identifiers: Orphanet 90342, MedGen C1848410, MONDO:0010214, OMIM 278750.

Allele frequency attached by ClinVar (database versions not stated): gnomAD 0.03285 and 0.03563; 1000 Genomes Project 30x 0.03654; TOPMed 0.03769; 1000 Genomes Project 0.04133.

Submission:

Illumina Laboratory Services, Illumina
Classification: Benign for Xeroderma pigmentosum variant type. Last evaluated: 2018-01-12. Review status: criteria provided, single submitter. Criteria: ICSL Variant Classification Criteria 13 December 2019. Collection method: clinical testing. Allele origin: germline.
Comment: This variant was observed in the ICSL laboratory as part of a predisposition screen in an ostensibly healthy population. It had not been previously curated by ICSL or reported in the Human Gene Mutation Database (HGMD: prior to June 1st, 2018), and was therefore a candidate for classification through an automated scoring system. Utilizing variant allele frequency, disease prevalence and penetrance estimates, and inheritance mode, an automated score was calculated to assess if this variant is too frequent to cause the disease. Based on the score and internal cut-off values, a variant classified as benign is not then subjected to further curation. The score for this variant resulted in a classification of benign for this disease.